The following is an entry in ClinVar:

NM_025074.7(FRAS1):c.1595G>C (p.Arg532Thr)

Gene: FRAS1 (Fraser extracellular matrix complex subunit 1; plus strand). Cytogenetic location: 4q21.21.
Variant type: single nucleotide variant.
Coding change: c.1595G>C on transcript NM_025074.7 (MANE Select); coding-DNA position 1595, G replaced by C.
Protein change: p.Arg532Thr; replaces arginine 532 with threonine.
Molecular consequence: missense variant.
Genome position (GRCh38, 1-based): chr4:78,308,126, G>C. VCF-style: chr4-78308126-G-C. GRCh37 (hg19) VCF-style: chr4-79229280-G-C.
Other names: c.1595G>C, p.Arg532Thr (NM_001166133.2); short protein forms R532T.
Identifiers: ClinVar variation 3899177 (VCV003899177.2).
Genomic context (GRCh38, chr4:78,308,126, plus strand): 5'-TCTGCCATGAGTCCTGTGCAGGTTGCTGGGGCCCAACGGAGAAGCACTGCTTGGCCTGCA[G>C]AGATCCCCTCCACGTGCTGAGAGATGGCGGCTGTGAGAGCAGCTGTGGAAAAGGCTTCTA-3'
Protein context (NP_079350.5, residues 522-542): GPTEKHCLAC[Arg532Thr]DPLHVLRDGG

ClinVar aggregate classification (germline): Uncertain significance (1 of 4 stars; one submission).

gnomAD v4.1: 8 of 1,613,950 alleles (0.0005%); highest among the groups gnomAD compares: South Asian, 0.0011%; no homozygotes.

Submission:

GeneDx
Classification: Uncertain significance. Last evaluated: 2025-08-22. Review status: criteria provided, single submitter. Criteria: GeneDx Variant Classification Process June 2021. Collection method: clinical testing. Allele origin: germline.
Comment: In silico analysis suggests that this missense variant does not alter protein structure/function; Has not been previously published as pathogenic or benign to our knowledge